The following is an entry in ClinVar:

ClinVar aggregate classification (germline): Likely benign. Review status: criteria provided, multiple submitters, no conflicts (2 of 4 stars). 4 submissions from 4 submitters: Likely benign (4). Last evaluated 2026-01-05.

Conditions:
Cardiovascular phenotype. Identifiers: MedGen CN230736.
Autosomal recessive limb-girdle muscular dystrophy type 2J (LGMDR10). Also called: Limb-girdle muscular dystrophy, type 2J; MUSCULAR DYSTROPHY, LIMB-GIRDLE, AUTOSOMAL RECESSIVE 10. Identifiers: Orphanet 140922, MedGen C1837342, MONDO:0012127, OMIM 608807.
Dilated cardiomyopathy 1G (CMD1G). Identifiers: Orphanet 154, MedGen C1858763, MONDO:0011400, OMIM 604145.

Allele frequency attached by ClinVar (database versions not stated): gnomAD exomes 0.00002 and 0.00006; TOPMed 0.00003; gnomAD 0.00005; ExAC 0.00006.
gnomAD v4.1: 41 of 1,613,414 alleles (0.0025%); highest among the groups gnomAD compares: East Asian, 0.016%; no homozygotes.

Submissions (4):

Labcorp Genetics (formerly Invitae), Labcorp
Classification: Likely benign for Dilated cardiomyopathy 1G; Autosomal recessive limb-girdle muscular dystrophy type 2J. Last evaluated: 2026-01-05. Review status: criteria provided, single submitter. Criteria: Invitae Variant Classification Sherloc (09022015). Collection method: clinical testing. Allele origin: germline.

CeGaT Center for Human Genetics Tuebingen
Classification: Likely benign. Last evaluated: 2023-12-01. Review status: criteria provided, single submitter. Criteria: CeGaT Center For Human Genetics Tuebingen Variant Classification Criteria Version 2. Collection method: clinical testing. Allele origin: germline. Affected: yes. Observed: 1 variant allele.
Comment: TTN: BP4, BP7

Ambry Genetics
Classification: Likely benign for Cardiovascular phenotype. Last evaluated: 2019-05-17. Review status: criteria provided, single submitter. Criteria: Ambry Variant Classification Scheme 2023. Collection method: clinical testing. Allele origin: germline.

Laboratory for Molecular Medicine, Mass General Brigham Personalized Medicine
Classification: Likely benign. Last evaluated: 2015-05-05. Review status: criteria provided, single submitter. Criteria: LMM Criteria. Collection method: clinical testing. Allele origin: germline. Observed: 1 variant allele.
Comment: p.Pro25137Pro in exon 275 of TTN: This variant is not expected to have clinical significance because it does not alter an amino acid residue and is not located within the splice consensus sequence. It has been identified in 6/8584 of East A sian chromosomes by the Exome Aggregation Consortium (ExAC).

NM_001267550.2(TTN):c.83115C>T (p.Pro27705=)

Genes: TTN (titin; minus strand), TTN-AS1 (TTN antisense RNA 1; plus strand). Cytogenetic location: 2q31.2.
Variant type: single nucleotide variant.
Coding change: c.83115C>T on transcript NM_001267550.2 (MANE Select); coding-DNA position 83115, C replaced by T.
Protein change: p.Pro27705=; no amino-acid change (proline 27705 retained).
Molecular consequence: synonymous variant.
Genome position (GRCh38, 1-based): chr2:178,563,017, G>A on the plus strand (C>T on the coding strand, the complement: TTN is on the minus strand). VCF-style: chr2-178563017-G-A. GRCh37 (hg19) VCF-style: chr2-179427744-G-A.
Other names: c.78192C>T, p.Pro26064= (NM_001256850.1); c.55920C>T, p.Pro18640= (NM_003319.4); c.56295C>T, p.Pro18765= (NM_133432.3); c.56496C>T, p.Pro18832= (NM_133437.4); c.75411C>T, p.Pro25137= (NM_133378.4).
Identifiers: ClinVar variation 228154 (VCV000228154.40), dbSNP rs747021593, ClinGen allele CA1988967.